The following is an entry in ClinVar:

ClinVar aggregate classification (germline): Pathogenic. Review status: criteria provided, multiple submitters, no conflicts (2 of 4 stars). 6 submissions from 6 submitters: Pathogenic (6). Last evaluated 2025-02-04.

Conditions:
Lung cancer. Also called: Malignant tumor of lung; Lung cancer, somatic. Identifiers: MedGen C0242379, MONDO:0008903, OMIM 211980.
Colorectal cancer. Also called: Colorectal cancer, somatic; Malignant Colorectal Neoplasm. Identifiers: MedGen C0346629, MONDO:0005575, OMIM 114500.
Melanoma, cutaneous malignant, susceptibility to, 1 (CMM1). Also called: MELANOMA, MALIGNANT; FAMILIAL ATYPICAL MOLE-MALIGNANT MELANOMA SYNDROME; DYSPLASTIC NEVUS SYNDROME, HEREDITARY; B-K MOLE SYNDROME. Identifiers: Orphanet 618, MedGen C1835047, MONDO:0007963, OMIM 155600.
Noonan syndrome 7 (NS7). Also called: BRAF-Related Noonan Syndrome. Identifiers: Orphanet 648, MedGen C3150970, MONDO:0013379, OMIM 613706.
LEOPARD syndrome 3 (LPRD3). Identifiers: Orphanet 500, MedGen C3150971, MONDO:0013380, OMIM 613707.
Cardiofaciocutaneous syndrome 1 (CFC1). Also called: BRAF-Related Cardiofaciocutaneous Syndrome. Identifiers: Orphanet 1340, MedGen CN029449, MONDO:0007265, OMIM 115150. Disease mechanism: gain of function.
BRAF-related disorder. Also called: BRAF-related condition.
Cardio-facio-cutaneous syndrome. Also called: Cardiofaciocutaneous syndrome; CFC syndrome. Identifiers: Orphanet 1340, MedGen C1275081, MONDO:0015280. Disease mechanism: gain of function.
Noonan syndrome (NS). Also called: Noonan's syndrome. Identifiers: Orphanet 648, MedGen C0028326, MeSH D009634, MONDO:0018997. Disease mechanism: gain of function.
RASopathy. Also called: rasopathies; Noonan spectrum disorder. Identifiers: Orphanet 536391, MedGen C5555857, MONDO:0021060.

Submissions (6):

Greenwood Genetic Center Diagnostic Laboratories, Greenwood Genetic Center
Classification: Pathogenic for BRAF-related disorder. Last evaluated: 2025-02-04. Review status: criteria provided, single submitter. Criteria: ACMG Guidelines, 2015. Collection method: clinical testing. Allele origin: germline. Affected: yes.
Comment: PS3_Moderate, PS4, PM2, PM6_Strong, PP2, PP3

Labcorp Genetics (formerly Invitae), Labcorp
Classification: Pathogenic for RASopathy. Last evaluated: 2024-11-07. Review status: criteria provided, single submitter. Criteria: Invitae Variant Classification Sherloc (09022015). Collection method: clinical testing. Allele origin: germline.
Comment: This sequence change replaces lysine, which is basic and polar, with glutamine, which is neutral and polar, at codon 601 of the BRAF protein (p.Lys601Gln). This variant is not present in population databases (gnomAD no frequency). This missense change has been observed in individual(s) with cardio-facio-cutaneous syndrome (PMID: 19206169). In at least one individual the variant was observed to be de novo. ClinVar contains an entry for this variant (Variation ID: 41446). Invitae Evidence Modeling of protein sequence and biophysical properties (such as structural, functional, and spatial information, amino acid conservation, physicochemical variation, residue mobility, and thermodynamic stability) indicates that this missense variant is expected to disrupt BRAF protein function with a positive predictive value of 80%. Experimental studies have shown that this missense change affects BRAF function (PMID: 19206169). This variant disrupts the p.Lys601 amino acid residue in BRAF. Other variant(s) that disrupt this residue have been determined to be pathogenic (PMID: 22495831, 24451042, 28650561, 28832562). This suggests that this residue is clinically significant, and that variants that disrupt this residue are likely to be disease-causing. For these reasons, this variant has been classified as Pathogenic.

GeneDx
Classification: Pathogenic. Last evaluated: 2021-11-04. Review status: criteria provided, single submitter. Criteria: GeneDx Variant Classification Process June 2021. Collection method: clinical testing. Allele origin: germline. Affected: yes.
Comment: Published functional studies of the K601Q variant have demonstrated that it results in the enhanced phosphorylation of MEK and ERK proteins (Sarkozy et al., 2009).; Not observed in large population cohorts (gnomAD); In silico analysis, which includes protein predictors and evolutionary conservation, supports a deleterious effect; The majority of missense variants in this gene are considered pathogenic (HGMD); This variant is associated with the following publications: (PMID: 19206169, 26619011, 16953233, 33753861, 24803665, 33040082, 33482860, 29493581, 17603483, 15520807, 16439621, 15488754, 24957944)

Laboratory for Molecular Medicine, Mass General Brigham Personalized Medicine
Classification: Pathogenic for Noonan syndrome; Cardio-facio-cutaneous syndrome. Last evaluated: 2019-01-02. Review status: criteria provided, single submitter. Criteria: LMM Criteria. Collection method: clinical testing. Allele origin: germline. Inheritance: Autosomal dominant inheritance. Observed: 1 variant allele.
Comment: The p.Lys601Gln variant in BRAF has been identified as de novo occurrence in 3 i ndividuals with cardio-facio-cutaneous syndrome (Sarkozy 2009, LMM data). It was absent from large population studies. Computational prediction tools and in vit ro functional studies support an impact on protein function (Sarkozy 2009). The p.Lys601Gln variant has been observed as a somatic mutation in tumor specimens f rom colorectal cancer (Oliveira 2007) and melanoma (Long 2013). Furthermore, thi s variant is in the CR3 activation segment domain, which has been defined by the ClinGen RASopathy Expert Panel to be a mutational hotspot or domain of BRAF. Th is variant has also been reported in ClinVar (Variation ID #41446). In summary, this variant meets criteria to be classified as pathogenic for autosomal dominan t cardio-facio-cutaneous syndrome. ACMG/AMP Criteria applied: PM6_Strong, PM1, P M2, PS4_Moderate, PS3_Supporting, PP3.

Eurofins Ntd Llc (ga)
Classification: Pathogenic. Last evaluated: 2013-03-18. Review status: criteria provided, single submitter. Criteria: EGL Classification Definitions 2015. Collection method: clinical testing. Allele origin: germline. Observed: 1 variant allele, 1 heterozygote.

Juno Genomics, Hangzhou Juno Genomics, Inc
Classification: Pathogenic for Lung cancer; Cardiofaciocutaneous syndrome 1; Colorectal cancer; LEOPARD syndrome 3; Melanoma, cutaneous malignant, susceptibility to, 1; Noonan syndrome 7. Review status: criteria provided, single submitter. Criteria: ACMG Guidelines, 2015. Collection method: clinical testing. Allele origin: germline. Affected: yes.
Comment: Absent from controls (or at extremely low frequency if recessive) in Genome Aggregation Database, Exome Sequencing Project, 1000 Genomes Project, or Exome Aggregation Consortium.;Missense variant in a gene that has a low rate of benign missense variation and where missense variants are a common mechanism of disease.;Multiple lines of computational evidence support a deleterious effect on the gene or gene product (conservation, evolutionary, splicing impact, etc).;The prevalence of the variant in affected individuals is significantly increased compared to the prevalence in controls.;Assumed de novo, but without confirmation of paternity and maternity.;Novel missense change at an amino acid residue where a different missense change determined to be pathogenic has been seen before.

Literature cited by the submitters: PubMed 19206169 (cited by Labcorp Genetics (formerly Invitae), Labcorp and Laboratory for Molecular Medicine, Mass General Brigham Personalized Medicine); PubMed 22495831 (cited by Labcorp Genetics (formerly Invitae), Labcorp); PubMed 24451042 (cited by Labcorp Genetics (formerly Invitae), Labcorp); PubMed 28650561 (cited by Labcorp Genetics (formerly Invitae), Labcorp); PubMed 28832562 (cited by Labcorp Genetics (formerly Invitae), Labcorp); PubMed 26619011 (cited by Laboratory for Molecular Medicine, Mass General Brigham Personalized Medicine); PubMed 23026937 (cited by Laboratory for Molecular Medicine, Mass General Brigham Personalized Medicine); PubMed 16953233 (cited by Laboratory for Molecular Medicine, Mass General Brigham Personalized Medicine).

NM_004333.6(BRAF):c.1801A>C (p.Lys601Gln)

Gene: BRAF (B-Raf proto-oncogene, serine/threonine kinase; minus strand). Cytogenetic location: 7q34.
Variant type: single nucleotide variant.
Coding change: c.1801A>C on transcript NM_004333.6 (MANE Select); coding-DNA position 1801, A replaced by C.
Protein change: p.Lys601Gln; replaces lysine 601 with glutamine.
Molecular consequence: missense variant.
Genome position (GRCh38, 1-based): chr7:140,753,334, T>G on the plus strand (A>C on the coding strand, the complement: BRAF is on the minus strand). VCF-style: chr7-140753334-T-G. GRCh37 (hg19) VCF-style: chr7-140453134-T-G.
Other names: c.1801A>C, p.Lys601Gln (NM_001354609.2, NM_001378468.1, NM_001378474.1); c.1921A>C, p.Lys641Gln (NM_001374244.1, NM_001374258.1); c.1810A>C, p.Lys604Gln (NM_001378467.1); c.1735A>C, p.Lys579Gln (NM_001378469.1); c.1699A>C, p.Lys567Gln (NM_001378470.1); c.1690A>C, p.Lys564Gln (NM_001378471.1); c.1645A>C, p.Lys549Gln (NM_001378472.1, NM_001378473.1); c.1537A>C, p.Lys513Gln (NM_001378475.1); short protein forms K601Q, K564Q, K641Q, K549Q, K567Q, K579Q, K604Q, K513Q.
Identifiers: ClinVar variation 41446 (VCV000041446.18), dbSNP rs121913364, ClinGen allele CA215454.